The following is an entry in ClinVar:

ClinVar aggregate classification (germline): Pathogenic (1 of 4 stars; one submission).

Conditions:
Familial meningioma. Also called: Meningioma, familial, susceptibility to. Identifiers: Orphanet 263662, MedGen C3551915, MONDO:0011789, OMIM 607174.

Allele frequency attached by ClinVar (database versions not stated): TOPMed below 0.00001.

Submission:

Labcorp Genetics (formerly Invitae), Labcorp
Classification: Pathogenic for Familial meningioma. Last evaluated: 2023-02-11. Review status: criteria provided, single submitter. Criteria: Invitae Variant Classification Sherloc (09022015). Collection method: clinical testing. Allele origin: germline.
Comment: For these reasons, this variant has been classified as Pathogenic. This variant has not been reported in the literature in individuals affected with SMARCE1-related conditions. This variant is not present in population databases (gnomAD no frequency). This sequence change creates a premature translational stop signal (p.Gln232*) in the SMARCE1 gene. It is expected to result in an absent or disrupted protein product. Loss-of-function variants in SMARCE1 are known to be pathogenic (PMID: 23377182).

Literature cited by the submitters: PubMed 23377182.

NM_003079.5(SMARCE1):c.694C>T (p.Gln232Ter)

Gene: SMARCE1 (SWI/SNF related BAF chromatin remodeling complex subunit E1; minus strand). Cytogenetic location: 17q21.2.
Variant type: single nucleotide variant.
Coding change: c.694C>T on transcript NM_003079.5 (MANE Select); coding-DNA position 694, C replaced by T.
Protein change: p.Gln232Ter; replaces glutamine 232 with a stop codon.
Molecular consequence: nonsense.
Genome position (GRCh38, 1-based): chr17:40,632,215, G>A on the plus strand (C>T on the coding strand, the complement: SMARCE1 is on the minus strand). VCF-style: chr17-40632215-G-A. GRCh37 (hg19) VCF-style: chr17-38788467-G-A.
Other names: short protein forms Q232*.
Identifiers: ClinVar variation 2792205 (VCV002792205.3), dbSNP rs1026195254, ClinGen allele CA290550294.
Genomic context (GRCh38, chr17:40,632,215, plus strand): 5'-ATAGGCACATCTTATTGAAATGAATGTTTTATGACTTTACCTGATGAACCATTAAGGACT[G>A]GACCTGCCGTTTGAGGACCTGCATTCTAGCTGTTGTGACAACTGACCGAACGTCTGGCAC-3'